The following is an entry in ClinVar:

ClinVar aggregate classification (germline): Pathogenic. Review status: criteria provided, multiple submitters, no conflicts (2 of 4 stars). 2 submissions from 2 submitters: Pathogenic (2). Last evaluated 2023-05-05.

Conditions:
Familial adenomatous polyposis 1 (FAP1). Also called: FAMILIAL ADENOMATOUS POLYPOSIS 1, ATTENUATED; POLYPOSIS, ADENOMATOUS INTESTINAL. Identifiers: MedGen C2713442, MONDO:0021056, OMIM 175100. Disease mechanism: loss of function.
Hereditary cancer-predisposing syndrome. Also called: Hereditary Cancer Syndrome; Neoplastic Syndromes, Hereditary; Hereditary neoplastic syndrome; Tumor predisposition. Identifiers: Orphanet 140162, MedGen C0027672, MeSH D009386, MONDO:0015356.

Submissions (2):

Myriad Genetics, Inc.
Classification: Pathogenic for Familial adenomatous polyposis 1. Last evaluated: 2023-05-05. Review status: criteria provided, single submitter. Criteria: Myriad Autosomal Dominant, Autosomal Recessive and X-Linked Classification Criteria (2023). Collection method: clinical testing. Allele origin: unknown.
Comment: This variant is considered pathogenic. This variant creates a termination codon and is predicted to result in premature protein truncation.

Ambry Genetics
Classification: Pathogenic for Hereditary cancer-predisposing syndrome. Last evaluated: 2014-07-08. Review status: criteria provided, single submitter. Criteria: Ambry Variant Classification Scheme 2023. Collection method: clinical testing. Allele origin: germline.
Comment: The p.Q901* pathogenic mutation (also known as c.2701C>T) located in coding exon 15 of the APC gene, results from a C to T substitution at nucleotide position 2701. This changes the amino acid from a glutamine to a stop codon within coding exon 15. In addition to the clinical data presented in the literature, since premature stop codons are typically deleterious in nature, this alteration is interpreted as a disease-causing mutation (ACMG Recommendations for Standards for Interpretation and Reporting of Sequence Variations. Revision 2007. Genet Med. 2008;10:294).

NM_000038.6(APC):c.2701C>T (p.Gln901Ter)

Gene: APC (APC regulator of Wnt signaling pathway; plus strand). Cytogenetic location: 5q22.2.
Variant type: single nucleotide variant.
Coding change: c.2701C>T on transcript NM_000038.6 (MANE Select); coding-DNA position 2701, C replaced by T.
Protein change: p.Gln901Ter; replaces glutamine 901 with a stop codon.
Molecular consequence: nonsense.
Genome position (GRCh38, 1-based): chr5:112,838,295, C>T. VCF-style: chr5-112838295-C-T. GRCh37 (hg19) VCF-style: chr5-112173992-C-T.
Other names: c.1852C>T, p.Gln618Ter (NM_001354906.2); c.2701C>T, p.Gln901Ter (NM_001127510.3, NM_001354895.2); c.2647C>T, p.Gln883Ter (NM_001127511.3); c.2755C>T, p.Gln919Ter (NM_001354896.2); c.2731C>T, p.Gln911Ter (NM_001354897.2); c.2626C>T, p.Gln876Ter (NM_001354898.2); c.2617C>T, p.Gln873Ter (NM_001354899.2); c.2578C>T, p.Gln860Ter (NM_001354900.2); and 5 more; short protein forms Q883*, Q901*, Q873*, Q911*, Q775*, Q810*, Q842*, Q860*.
Identifiers: ClinVar variation 428111 (VCV000428111.7), dbSNP rs1114167559, ClinGen allele CA16027226.